The following is an entry in ClinVar:

ClinVar aggregate classification (germline): Uncertain significance. Review status: criteria provided, multiple submitters, no conflicts (2 of 4 stars). 2 submissions from 2 submitters: Uncertain significance (2). Last evaluated 2024-10-04.

Conditions:
Inborn genetic diseases. Identifiers: MedGen C0950123, MeSH D030342.

gnomAD v4.1: 110 of 1,611,896 alleles (0.0068%); highest among the groups gnomAD compares: Admixed American, 0.017%; no homozygotes.

Submissions (2):

Ambry Genetics
Classification: Uncertain significance for Inborn genetic diseases. Last evaluated: 2024-10-04. Review status: criteria provided, single submitter. Criteria: Ambry Variant Classification Scheme 2023. Collection method: clinical testing. Allele origin: germline.

Labcorp Genetics (formerly Invitae), Labcorp
Classification: Uncertain significance. Last evaluated: 2024-08-11. Review status: criteria provided, single submitter. Criteria: Invitae Variant Classification Sherloc (09022015). Collection method: clinical testing. Allele origin: germline.
Comment: This sequence change replaces glutamic acid, which is acidic and polar, with glycine, which is neutral and non-polar, at codon 1612 of the FOCAD protein (p.Glu1612Gly). This variant is present in population databases (rs147484762, gnomAD 0.02%). This variant has not been reported in the literature in individuals affected with FOCAD-related conditions. Experimental studies and prediction algorithms are not available or were not evaluated, and the functional significance of this variant is currently unknown. In summary, the available evidence is currently insufficient to determine the role of this variant in disease. Therefore, it has been classified as a Variant of Uncertain Significance.

NM_001375567.1(FOCAD):c.4835A>G (p.Glu1612Gly)

Gene: FOCAD (focadhesin; plus strand). Cytogenetic location: 9p21.3.
Variant type: single nucleotide variant.
Coding change: c.4835A>G on transcript NM_001375567.1 (MANE Select); coding-DNA position 4835, A replaced by G.
Protein change: p.Glu1612Gly; replaces glutamic acid 1612 with glycine.
Molecular consequence: missense variant.
Genome position (GRCh38, 1-based): chr9:20,986,394, A>G. VCF-style: chr9-20986394-A-G. GRCh37 (hg19) VCF-style: chr9-20986393-A-G.
Other names: c.4730A>G, p.Glu1577Gly (NM_001375568.1, NM_001375570.1); c.4835A>G, p.Glu1612Gly (NM_017794.5); short protein forms E1577G, E1612G.
Identifiers: ClinVar variation 3516488 (VCV003516488.3).
Genomic context (GRCh38, chr9:20,986,394, plus strand): 5'-AAGGACGATTCCCCTTGGTGAACCTGACCGATATGCTGAGCGTTGCTGTGCAGCACCGTG[A>G]GAAAGAGGTGTTGGCCTGGATGATTCTGCACAGCTTATACCAGGCACGGATTGTGAGCCA-3'
Protein context (NP_001362496.1, residues 1602-1622): DMLSVAVQHR[Glu1612Gly]KEVLAWMILH